The following is an entry in ClinVar:

NM_053025.4(MYLK):c.4120G>T (p.Ala1374Ser)

Gene: MYLK (myosin light chain kinase; minus strand). Cytogenetic location: 3q21.1.
Variant type: single nucleotide variant.
Coding change: c.4120G>T on transcript NM_053025.4 (MANE Select); coding-DNA position 4120, G replaced by T.
Protein change: p.Ala1374Ser; replaces alanine 1374 with serine.
Molecular consequence: missense variant.
Genome position (GRCh38, 1-based): chr3:123,657,294, C>A on the plus strand (G>T on the coding strand, the complement: MYLK is on the minus strand). VCF-style: chr3-123657294-C-A. GRCh37 (hg19) VCF-style: chr3-123376141-C-A.
Other names: c.3592G>T, p.Ala1198Ser (NM_001321309.2); c.3913G>T, p.Ala1305Ser (NM_053026.4, NM_053028.4); c.4120G>T, p.Ala1374Ser (NM_053027.4); short protein forms A1198S, A1305S, A1374S.
Identifiers: ClinVar variation 4527992 (VCV004527992.1).

ClinVar aggregate classification (germline): Uncertain significance (1 of 4 stars; one submission).

gnomAD v4.1: 8 of 1,614,130 alleles (0.0005%); highest among the groups gnomAD compares: South Asian, 0.0088%; no homozygotes.

Submission:

GeneDx
Classification: Uncertain significance. Last evaluated: 2025-05-02. Review status: criteria provided, single submitter. Criteria: GeneDx Variant Classification Process June 2021. Collection method: clinical testing. Allele origin: germline. Affected: yes.
Comment: Not observed at significant frequency in large population cohorts (gnomAD); In silico analysis suggests that this missense variant does not alter protein structure/function; Has not been previously published as pathogenic or benign to our knowledge